The following is an entry in ClinVar:

ClinVar aggregate classification (germline): Uncertain significance (1 of 4 stars; one submission).

gnomAD v4.1: 2 of 1,613,322 alleles (0.00012%); highest among the groups gnomAD compares: Admixed American, 0.0017%; no homozygotes.

Submission:

Labcorp Genetics (formerly Invitae), Labcorp
Classification: Uncertain significance. Last evaluated: 2024-07-02. Review status: criteria provided, single submitter. Criteria: Invitae Variant Classification Sherloc (09022015). Collection method: clinical testing. Allele origin: germline.
Comment: This sequence change affects codon 754 of the EFTUD2 mRNA. It is a 'silent' change, meaning that it does not change the encoded amino acid sequence of the EFTUD2 protein. This variant is present in population databases (no rsID available, gnomAD 0.003%). This variant has not been reported in the literature in individuals affected with EFTUD2-related conditions. Algorithms developed to predict the effect of sequence changes on RNA splicing suggest that this variant may disrupt the consensus splice site. In summary, the available evidence is currently insufficient to determine the role of this variant in disease. Therefore, it has been classified as a Variant of Uncertain Significance.

NM_004247.4(EFTUD2):c.2262G>A (p.Val754=)

Gene: EFTUD2 (elongation factor Tu GTP binding domain containing 2; minus strand). Cytogenetic location: 17q21.31.
Variant type: single nucleotide variant.
Coding change: c.2262G>A on transcript NM_004247.4 (MANE Select); coding-DNA position 2262, G replaced by A.
Protein change: p.Val754=; no amino-acid change (valine 754 retained).
Molecular consequence: synonymous variant.
Genome position (GRCh38, 1-based): chr17:44,854,354, C>T on the plus strand (G>A on the coding strand, the complement: EFTUD2 is on the minus strand). VCF-style: chr17-44854354-C-T. GRCh37 (hg19) VCF-style: chr17-42931722-C-T.
Other names: c.2157G>A, p.Val719= (NM_001142605.2); c.2262G>A, p.Val754= (NM_001258353.2); c.2232G>A, p.Val744= (NM_001258354.2).
Identifiers: ClinVar variation 3714369 (VCV003714369.2).
Genomic context (GRCh38, chr17:44,854,354, plus strand): 5'-GGTTCCCCACTGGAAACCTTGAACGATGCTGTCCTTCACTGAACCAAGAAGAGCCTTGTC[C>T]ACCTATAGAGAAACATGAGGCCTCCTTAGCAGTCGCCCTGGCAACGGCTGAAGCATTTAG-3'
Protein context (NP_004238.3, residues 744-764): ILVDDTLPSE[Val754=]DKALLGSVKD